The following is an entry in ClinVar:

NM_201384.3(PLEC):c.9965T>C (p.Val3322Ala)

Gene: PLEC (plectin; minus strand). Cytogenetic location: 8q24.3.
Variant type: single nucleotide variant.
Coding change: c.9965T>C on transcript NM_201384.3 (MANE Select); coding-DNA position 9965, T replaced by C.
Protein change: p.Val3322Ala; replaces valine 3322 with alanine.
Molecular consequence: missense variant.
Genome position (GRCh38, 1-based): chr8:143,919,856, A>G on the plus strand (T>C on the coding strand, the complement: PLEC is on the minus strand). VCF-style: chr8-143919856-A-G. GRCh37 (hg19) VCF-style: chr8-144994024-A-G.
Other names: c.10046T>C, p.Val3349Ala (NM_000445.5); c.6665T>C, p.Val2222Ala (NM_001410941.1); c.9923T>C, p.Val3308Ala (NM_201378.4); c.9899T>C, p.Val3300Ala (NM_201379.3); c.10376T>C, p.Val3459Ala (NM_201380.4); c.9869T>C, p.Val3290Ala (NM_201381.3); c.9965T>C, p.Val3322Ala (NM_201382.4); c.9977T>C, p.Val3326Ala (NM_201383.3); short protein forms V3308A, V3322A, V3459A, V3290A, V3300A, V3349A, V2222A, V3326A.
Identifiers: ClinVar variation 4786781 (VCV004786781.1).

ClinVar aggregate classification (germline): Uncertain significance (1 of 4 stars; one submission).

Conditions:
Epidermolysis bullosa simplex with nail dystrophy (EBS5D). Identifiers: MedGen C4225309, MONDO:0014661, OMIM 616487.
Epidermolysis bullosa simplex, Ogna type (EBS5A). Also called: EPIDERMOLYSIS BULLOSA SIMPLEX 5A, OGNA TYPE; Pidermolysis bullosa simplex 5A, Ogna type. Identifiers: Orphanet 79401, MedGen C0432317, MONDO:0007555, OMIM 131950.
Autosomal recessive limb-girdle muscular dystrophy type 2Q (LGMDR17). Also called: MUSCULAR DYSTROPHY, LIMB-GIRDLE, AUTOSOMAL RECESSIVE 17. Identifiers: Orphanet 254361, MedGen C3150989, MONDO:0013390, OMIM 613723.
Epidermolysis bullosa simplex 5B, with muscular dystrophy (EBS5B). Also called: EPIDERMOLYSIS BULLOSA SIMPLEX AND LIMB-GIRDLE MUSCULAR DYSTROPHY; Epidermolysis bullosa simplex with muscular dystrophy. Identifiers: Orphanet 257, MedGen C2931072, MONDO:0009181, OMIM 226670.
Epidermolysis bullosa simplex 5C, with pyloric atresia (EBS5C). Also called: PLEC-Related Epidermolysis Bullosa with Pyloric Atresia; Epidermolysis bullosa simplex with pyloric atresia; PLEC1-Related Epidermolysis Bullosa with Pyloric Atresia. Identifiers: Orphanet 158684, MedGen C2677349, MONDO:0012807, OMIM 612138.

gnomAD v4.1: 3 of 1,612,898 alleles (0.00019%); highest among the groups gnomAD compares: Non-Finnish European, 0.00025%; no homozygotes.

Submission:

Labcorp Genetics (formerly Invitae), Labcorp
Classification: Uncertain significance for Autosomal recessive limb-girdle muscular dystrophy type 2Q; Epidermolysis bullosa simplex, Ogna type; Epidermolysis bullosa simplex with nail dystrophy; Epidermolysis bullosa simplex 5C, with pyloric atresia; Epidermolysis bullosa simplex 5B, with muscular dystrophy. Last evaluated: 2025-12-11. Review status: criteria provided, single submitter. Criteria: Invitae Variant Classification Sherloc (09022015). Collection method: clinical testing. Allele origin: germline.
Comment: This sequence change replaces valine, which is neutral and non-polar, with alanine, which is neutral and non-polar, at codon 3349 of the PLEC protein (p.Val3349Ala). This variant is not present in population databases (gnomAD no frequency). This variant has not been reported in the literature in individuals affected with PLEC-related conditions. An algorithm developed to predict the effect of missense changes on protein structure and function (PolyPhen-2) suggests that this variant is likely to be disruptive. In summary, the available evidence is currently insufficient to determine the role of this variant in disease. Therefore, it has been classified as a Variant of Uncertain Significance.